The following is an entry in ClinVar:

ClinVar aggregate classification (germline): Conflicting classifications of pathogenicity. Review status: criteria provided, conflicting classifications (1 of 4 stars). 6 submissions from 6 submitters: Uncertain significance (5); Likely benign (1). Last evaluated 2026-06-19.

Conditions:
TTN-related disorder. Also called: TTN-related condition; TTN-related disease; TTN-related disorders.
Cardiovascular phenotype. Identifiers: MedGen CN230736.
Myopathy, myofibrillar, 9, with early respiratory failure (MFM9). Also called: Hereditary myopathy with early respiratory failure; EDSTROM MYOPATHY; MYOPATHY, PROXIMAL, WITH EARLY RESPIRATORY MUSCLE INVOLVEMENT; Myopathy, distal, with early respiratory failure, autosomal dominant. Identifiers: Orphanet 178464, Orphanet 34521, MedGen C1863599, MONDO:0011362, OMIM 603689.
Dilated cardiomyopathy 1G (CMD1G). Identifiers: Orphanet 154, MedGen C1858763, MONDO:0011400, OMIM 604145.
Autosomal recessive limb-girdle muscular dystrophy type 2J (LGMDR10). Also called: Limb-girdle muscular dystrophy, type 2J; MUSCULAR DYSTROPHY, LIMB-GIRDLE, AUTOSOMAL RECESSIVE 10. Identifiers: Orphanet 140922, MedGen C1837342, MONDO:0012127, OMIM 608807.
Early-onset myopathy with fatal cardiomyopathy (CMYO5). Also called: Salih Myopathy; CONGENITAL MYOPATHY 5 WITH CARDIOMYOPATHY. Identifiers: Orphanet 289377, MedGen C2673677, MONDO:0012714, OMIM 611705. Disease mechanism: loss of function.
Tibial muscular dystrophy (TMD). Also called: Udd Distal Myopathy – Tibial Muscular Dystrophy; UDD MYOPATHY; Tibial muscular dystrophy, tardive. Identifiers: Orphanet 609, MedGen C1838244, MONDO:0010870, OMIM 600334.
Hypertrophic cardiomyopathy 9. Also called: Familial hypertrophic cardiomyopathy 9. Identifiers: MedGen C1861065, MONDO:0013412, OMIM 613765.

Allele frequency attached by ClinVar (database versions not stated): ESP Exome Variant Server 0.00023; 1000 Genomes Project 0.00120; 1000 Genomes Project 30x 0.00125; gnomAD exomes 0.00002 and 0.00006; ExAC 0.00010; gnomAD 0.00013 and 0.00017; TOPMed 0.00014.
gnomAD v4.1: 54 of 1,613,830 alleles (0.0033%); highest among the groups gnomAD compares: African/African-American, 0.053%; no homozygotes.

Submissions (6):

PreventionGenetics, part of Exact Sciences
Classification: Uncertain significance for TTN-related condition. Last evaluated: 2026-06-19. Review status: criteria provided, single submitter. Criteria: ACMG Guidelines, 2015. Collection method: clinical testing. Allele origin: germline.
Comment: The TTN c.7711G>A variant is predicted to result in the amino acid substitution p.Glu2571Lys. To our knowledge, this variant has not been reported in the literature in individuals with TTN-related disorders. This variant is reported in 0.061% of alleles in individuals of African descent in gnomAD. Although we suspect that this variant may be benign, at this time, the clinical significance of this variant is uncertain due to the absence of conclusive functional and genetic evidence.

Fulgent Genetics
Classification: Uncertain significance for Tibial muscular dystrophy; Myopathy, myofibrillar, 9, with early respiratory failure; Dilated cardiomyopathy 1G; Autosomal recessive limb-girdle muscular dystrophy type 2J; Early-onset myopathy with fatal cardiomyopathy; Hypertrophic cardiomyopathy 9. Last evaluated: 2024-04-02. Review status: criteria provided, single submitter. Criteria: ACMG Guidelines, 2015. Collection method: clinical testing. Allele origin: germline.

Ambry Genetics
Classification: Likely benign for Cardiovascular phenotype. Last evaluated: 2020-09-21. Review status: criteria provided, single submitter. Criteria: Ambry Variant Classification Scheme 2023. Collection method: clinical testing. Allele origin: germline.

Eurofins Ntd Llc (ga)
Classification: Uncertain significance. Last evaluated: 2018-08-23. Review status: criteria provided, single submitter. Criteria: EGL ClinVar v180209 classification definitions. Collection method: clinical testing. Allele origin: germline. Observed: 1 variant allele, 1 heterozygote.

Labcorp Genetics (formerly Invitae), Labcorp
Classification: Uncertain significance for Dilated cardiomyopathy 1G; Autosomal recessive limb-girdle muscular dystrophy type 2J. Last evaluated: 2017-03-21. Review status: criteria provided, single submitter. Criteria: Invitae Variant Classification Sherloc (09022015). Collection method: clinical testing. Allele origin: germline.

GeneDx
Classification: Uncertain significance. Last evaluated: 2013-01-31. Review status: criteria provided, single submitter. Criteria: GeneDx Variant Classification (06012015). Collection method: clinical testing. Allele origin: germline. Affected: yes.
Comment: Missense variants in the TTN gene are considered 'unclassified' if they are not previously reported in the literature and do not have >1% frequency in the population to be considered a polymorphism. Research indicates that truncating mutations in the TTN gene are expected to account for approximately 25% of familial and 18% of sporadic idiopathic DCM; however, truncating variants in the TTN gene have been reported in approximately 3% of reported control alleles. There has been little investigation into non-truncating variants. (Herman D et al. Truncations of titin causing dilated cardiomyopathy. N Eng J Med 366:619-628, 2012) The variant is found in DCM panel(s).

NM_001267550.2(TTN):c.7711G>A (p.Glu2571Lys)

Gene: TTN (titin; minus strand). Cytogenetic location: 2q31.2.
Variant type: single nucleotide variant.
Coding change: c.7711G>A on transcript NM_001267550.2 (MANE Select); coding-DNA position 7711, G replaced by A.
Protein change: p.Glu2571Lys; replaces glutamic acid 2571 with lysine.
Molecular consequence: missense variant.
Genome position (GRCh38, 1-based): chr2:178,773,253, C>T on the plus strand (G>A on the coding strand, the complement: TTN is on the minus strand). VCF-style: chr2-178773253-C-T. GRCh37 (hg19) VCF-style: chr2-179637980-C-T.
Other names: p.E2571K:GAA>AAA; c.7711G>A, p.Glu2571Lys (NM_001256850.1, NM_133378.4, NM_133379.5); c.7573G>A, p.Glu2525Lys (NM_003319.4, NM_133432.3, NM_133437.4); short protein forms E2571K, E2525K.
Identifiers: ClinVar variation 74312 (VCV000074312.14), dbSNP rs149660690, ClinGen allele CA311474.